The following is an entry in ClinVar:

NM_004621.6(TRPC6):c.336A>C (p.Pro112=)

Gene: TRPC6 (transient receptor potential cation channel subfamily C member 6; minus strand). Cytogenetic location: 11q22.1.
Variant type: single nucleotide variant.
Coding change: c.336A>C on transcript NM_004621.6 (MANE Select); coding-DNA position 336, A replaced by C.
Protein change: p.Pro112=; no amino-acid change (proline 112 retained).
Molecular consequence: synonymous variant.
Genome position (GRCh38, 1-based): chr11:101,504,633, T>G on the plus strand (A>C on the coding strand, the complement: TRPC6 is on the minus strand). VCF-style: chr11-101504633-T-G. GRCh37 (hg19) VCF-style: chr11-101375364-T-G.
Identifiers: ClinVar variation 301911 (VCV000301911.11), dbSNP rs201818043, ClinGen allele CA6244540.
Genomic context (GRCh38, chr11:101,504,633, plus strand): 5'-CATGTAATCCACACAGTTAACGTTGAGTGAGTGGCATTCTTCTAACATCTTCCGCACCAC[T>G]GGGATGTTACCATATTCAGCTGCATCCAAAAAGCGTTCCTCCTCTATAGATAGGCTTGTG-3'
Protein context (NP_004612.2, residues 102-122): FLDAAEYGNI[Pro112=]VVRKMLEECH

ClinVar aggregate classification (germline): Likely benign. Review status: criteria provided, multiple submitters, no conflicts (2 of 4 stars). 4 submissions from 4 submitters: Likely benign (4). Last evaluated 2026-03-20.

Conditions:
TRPC6-related disorder. Also called: TRPC6-related condition.
Focal segmental glomerulosclerosis 2 (FSGS2). Identifiers: Orphanet 656, MedGen C1858915, MONDO:0011390, OMIM 603965.

Allele frequency attached by ClinVar (database versions not stated): gnomAD below 0.00001 and 0.00010; gnomAD exomes 0.00044; ExAC 0.00045; 1000 Genomes Project 30x 0.00047; 1000 Genomes Project 0.00060.
gnomAD v4.1: 350 of 1,612,194 alleles (0.022%); highest among the groups gnomAD compares: South Asian, 0.36%; 9 homozygotes.

Submissions (4):

PreventionGenetics, part of Exact Sciences
Classification: Likely benign for TRPC6-related condition. Last evaluated: 2026-03-20. Review status: criteria provided, single submitter. Criteria: ACMG Guidelines, 2015. Collection method: clinical testing. Allele origin: germline.
Comment: This variant is classified as likely benign based on ACMG/AMP sequence variant interpretation guidelines (Richards et al. 2015 PMID: 25741868, with internal and published modifications).

Labcorp Genetics (formerly Invitae), Labcorp
Classification: Likely benign. Last evaluated: 2025-02-24. Review status: criteria provided, single submitter. Criteria: Invitae Variant Classification Sherloc (09022015). Collection method: clinical testing. Allele origin: germline.

Fulgent Genetics
Classification: Likely benign for Focal segmental glomerulosclerosis 2. Last evaluated: 2021-11-13. Review status: criteria provided, single submitter. Criteria: ACMG Guidelines, 2015. Collection method: clinical testing. Allele origin: unknown.

Illumina Laboratory Services, Illumina
Classification: Likely benign for Focal segmental glomerulosclerosis 2. Last evaluated: 2017-04-27. Review status: criteria provided, single submitter. Criteria: ICSL Variant Classification Criteria 13 December 2019. Collection method: clinical testing. Allele origin: germline.
Comment: This variant was observed as part of a predisposition screen in an ostensibly healthy population. A literature search was performed for the gene, cDNA change, and amino acid change (where applicable). No publications were found based on this search. Allele frequency data from public databases allowed determination this variant is unlikely to cause disease. Therefore, this variant is classified as likely benign.